The following is an entry in ClinVar:

NM_000077.5(CDKN2A):c.458-105A>G

Gene: CDKN2A (cyclin dependent kinase inhibitor 2A; minus strand). Cytogenetic location: 9p21.3.
Variant type: single nucleotide variant.
Coding change: c.458-105A>G on transcript NM_000077.5 (MANE Select); 105 bases into the intron before coding-DNA position 458, A replaced by G.
Molecular consequence: intron variant.
Genome position (GRCh38, 1-based): chr9:21,968,347, T>C on the plus strand (A>G on the coding strand, the complement: CDKN2A is on the minus strand). VCF-style: chr9-21968347-T-C. GRCh37 (hg19) VCF-style: chr9-21968346-T-C.
Other names: IVS2, A-G, -105; c.305-105A>G (NM_001363763.2); c.*102-105A>G (NM_058195.4); c.*151-105A>G (NM_001195132.2); c.*381-105A>G (NM_058197.5).
Identifiers: ClinVar variation 406715 (VCV000406715.31), dbSNP rs1060501266, ClinGen allele CA16612773.

ClinVar aggregate classification (germline): Pathogenic/Likely pathogenic. Review status: criteria provided, multiple submitters, no conflicts (2 of 4 stars). 11 submissions from 11 submitters: Pathogenic (6); Likely pathogenic (4). 1 of the submissions does not count toward it. Last evaluated 2026-05-10.

Conditions:
Familial melanoma. Also called: Hereditary melanoma; Hereditary cutaneous melanoma. Identifiers: Orphanet 618, MedGen C1512419, MONDO:0018961.
Hereditary cancer-predisposing syndrome. Also called: Neoplastic Syndromes, Hereditary; Hereditary Cancer Syndrome; Tumor predisposition; Hereditary neoplastic syndrome. Identifiers: Orphanet 140162, MedGen C0027672, MeSH D009386, MONDO:0015356.
Melanoma-pancreatic cancer syndrome. Identifiers: Orphanet 404560, MedGen C1838547, MONDO:0011713, OMIM 606719. Disease mechanism: loss of function.
Melanoma, cutaneous malignant, susceptibility to, 2 (CMM2). Also called: Cutaneous malignant melanoma 2; CDKN2A-Related Cutaneous Malignant Melanoma. Identifiers: Orphanet 618, MedGen C1835044, MONDO:0007964, OMIM 155601.
Melanoma and neural system tumor syndrome. Also called: MELANOMA-ASTROCYTOMA SYNDROME. Identifiers: Orphanet 252206, MedGen C1835042, MONDO:0007967, OMIM 155755.

Allele frequency attached by ClinVar (database versions not stated): gnomAD 0.00001; gnomAD exomes 0.00001; TOPMed 0.00001.
gnomAD v4.1: 17 of 1,525,560 alleles (0.0011%); highest among the groups gnomAD compares: East Asian, 0.0023%; no homozygotes.

Submissions (12):

Praxis Für Humangenetik, Biosciencia MVZ Labor Saar
Classification: Pathogenic for Hereditary cancer-predisposing syndrome. Last evaluated: 2026-05-10. Review status: criteria provided, single submitter. Criteria: ACMG Guidelines, 2015. Collection method: clinical testing. Allele origin: germline. Affected: yes.
Comment: PVS1_strong, PS4, PM2, PP1, PP3, PP5

Labcorp Genetics (formerly Invitae), Labcorp
Classification: Pathogenic for Familial melanoma. Last evaluated: 2025-12-22. Review status: criteria provided, single submitter. Criteria: Invitae Variant Classification Sherloc (09022015). Collection method: clinical testing. Allele origin: germline.
Comment: This sequence change falls in intron 2 of the CDKN2A (p16INK4a) gene. It does not directly change the encoded amino acid sequence of the CDKN2A (p16INK4a) protein. RNA analysis indicates that this variant induces altered splicing and likely disrupts the C-terminus of the protein. This variant is not present in population databases (gnomAD no frequency). This variant has been observed in individual(s) with cutaneous melanoma (PMID: 11726555, 15009729, 16905682, 22841127). It has also been observed to segregate with disease in related individuals. This variant is also known as IVS2-105A>G. ClinVar contains an entry for this variant (Variation ID: 406715). Studies have shown that this variant results in inclusion of most or all of intron 2 in the CDKN2A (p16INK4a) mRNA and introduces a new termination codon (PMID: 11726555). However the mRNA is not expected to undergo nonsense-mediated decay. For these reasons, this variant has been classified as Pathogenic.

Color Diagnostics, LLC DBA Color Health
Classification: Likely pathogenic for Hereditary cancer-predisposing syndrome. Last evaluated: 2024-12-11. Review status: criteria provided, single submitter. Criteria: ACMG Guidelines, 2015. Collection method: clinical testing. Allele origin: germline.
Comment: The CDKN2A locus encodes two different gene products, p16INK4a and p14ARF. This variant causes an A to G nucleotide substitution at the -105 position of intron 2 of the CDKN2A (p16INK4A) gene. This variant is also known as IVS2-105A>G in the literature. A non-quantitative RNA study has shown that this variant disrupts RNA splicing and causes aberrant retention of the entire, or almost all of, intron 2 sequence, resulting in the mutant transcripts that are much longer than the normal transcript (PMID: 11726555). This variant has been reported in over twenty individuals affected with familial cutaneous melanoma (PMID: 11726555, 15009729, 16905682, 22841127) and has been shown to segregate with disease in two families (PMID: 11726555). In addition, this variant has been observed to be de novo in an individual affected with multiple primary melanomas (PMID: 15009729). This variant has not been identified in the general population by the Genome Aggregation Database (gnomAD). Based on the available evidence, this variant is classified as Likely Pathogenic.

Myriad Genetics, Inc.
Classification: Likely pathogenic for Melanoma-pancreatic cancer syndrome. Last evaluated: 2024-11-25. Review status: criteria provided, single submitter. Criteria: Myriad Autosomal Dominant, Autosomal Recessive and X-Linked Classification Criteria (2023). Collection method: clinical testing. Allele origin: unknown.
Comment: This variant is considered likely pathogenic. Functional studies indicate this variant impacts protein function [PMID: 11726555]. This variant has been reported in multiple individuals with clinical features of gene-specific disease [PMID: 11726555, 15009729, 21614589, 22841127, Myriad internal data].

Ambry Genetics
Classification: Pathogenic for Hereditary cancer-predisposing syndrome. Last evaluated: 2024-10-22. Review status: criteria provided, single submitter. Criteria: Ambry Variant Classification Scheme 2023. Collection method: clinical testing. Allele origin: germline.
Comment: The c.458-105A>G intronic variant results from an A to G substitution 105 nucleotides upstream from coding exon 3 in the CDKN2A gene. This alteration has been reported in multiple melanoma families and was shown to segregate with disease, although there were unaffected carriers in these families (ages unknown) (Harland M et al. Hum Mol Genet. 2001 Nov;10:2679-86; Goldstein AM et al. Genes Chromosomes Cancer. 2005 Jun;43(2):128-36; Maubec E et al. J Am Acad Dermatol 2012 Dec;67(6):1257-64; Puig S et al. Genet Med. 2016 Jul;18(7):727-36). This alteration was confirmed to be a de novo alteration in an individual with eight cutaneous melanomas (Majore S et al. J Invest Dermatol. 2004 Feb;122(2):450-1). This alteration was shown to generate two alternate transcripts that retain all or part of intron 2 which encodes a stop codon. Although it was not empirically shown, if these transcripts escape nonsense-mediated mRNA decay, the authors predict that protein product is likely to be structurally and functionally similar to the wildtype protein as they will only differ by four C-terminal amino acids (Harland M et al. Hum Mol Genet. 2001 Nov;10:2679-86). Of note, this variant is also designated as "IVS2-105A>G" in published literature. This nucleotide position is well conserved in available vertebrate species. In silico splice site analysis predicts that this alteration will result in the creation or strengthening of a novel splice donor site. This variant is considered to be rare based on population cohorts in the Genome Aggregation Database (gnomAD). Based on the available evidence, this alteration is classified as a disease-causing mutation.

Baylor Genetics
Classification: Pathogenic for Melanoma and neural system tumor syndrome. Last evaluated: 2024-03-25. Review status: criteria provided, single submitter. Criteria: ACMG Guidelines, 2015. Collection method: clinical testing. Allele origin: unknown.

GeneDx
Classification: Pathogenic. Last evaluated: 2022-10-28. Review status: criteria provided, single submitter. Criteria: GeneDx Variant Classification Process June 2021. Collection method: clinical testing. Allele origin: germline. Affected: yes.
Comment: Non-canonical splice site variant demonstrated to result in aberrant splicing in a gene for which loss of function is a known mechanism of disease (Harland et al., 2001); Not observed at significant frequency in large population cohorts (gnomAD); This variant is associated with the following publications: (PMID: 25685612, 16905682, 25780468, 26542317, 18612309, 22841127, 21614589, 21325014, 25023876, 11726555, 29215650, 23348723, 33322357, 15009729)

Clinical Genetics Laboratory, Skane University Hospital Lund
Classification: Likely pathogenic. Last evaluated: 2022-06-16. Review status: criteria provided, single submitter. Criteria: ACMG Guidelines, 2015. Collection method: clinical testing. Allele origin: germline. Affected: yes.

MGZ Medical Genetics Center
Classification: Pathogenic for Melanoma, cutaneous malignant, susceptibility to, 2. Last evaluated: 2021-09-01. Review status: criteria provided, single submitter. Criteria: ACMG Guidelines, 2015. Collection method: clinical testing. Allele origin: germline. Affected: yes. Observed: 1 variant allele.
Comment: ACMG criteria applied: PS3, PP1_STR, PS4_MOD, PS2_SUP, PM2_SUP, PP3

Department of Pathology and Laboratory Medicine, Sinai Health System
Classification: Likely pathogenic for Melanoma, cutaneous malignant, susceptibility to, 2; Melanoma and neural system tumor syndrome; Melanoma-pancreatic cancer syndrome. Review status: criteria provided, single submitter. Criteria: ACMG Guidelines, 2015. Collection method: clinical testing. Allele origin: germline.

OMIM
Classification: risk factor for MELANOMA, CUTANEOUS MALIGNANT, SUSCEPTIBILITY TO, 2. Last evaluated: 2001-11-01. Review status: no assertion criteria provided. Collection method: literature only. Allele origin: germline. Not counted in ClinVar's aggregate classification.

Dr. Peter K. Rogan Lab, Western University
No classification provided (evidence only). Condition: Malignant tumor of esophagus. Review status: no classification provided. Collection method: in vitro. Allele origin: not applicable. Functional consequence: retained intron. Not counted in ClinVar's aggregate classification.

Literature cited by the submitters: PubMed 11726555 (cited by 5 submitters); PubMed 15009729 (cited by 3 submitters); PubMed 16905682 (cited by Labcorp Genetics (formerly Invitae), Labcorp and Color Diagnostics, LLC DBA Color Health); PubMed 22841127 (cited by 4 submitters); PubMed 21614589 (cited by Myriad Genetics, Inc.).